The following is an entry in ClinVar:

ClinVar aggregate classification (germline): Uncertain significance. Review status: criteria provided, multiple submitters, no conflicts (2 of 4 stars). 2 submissions from 2 submitters: Uncertain significance (2). Last evaluated 2023-12-15.

Conditions:
Inborn genetic diseases. Identifiers: MedGen C0950123, MeSH D030342.

Allele frequency attached by ClinVar (database versions not stated): gnomAD exomes below 0.00001; ExAC 0.00002; gnomAD 0.00002; TOPMed 0.00004; ESP Exome Variant Server 0.00023.
gnomAD v4.1: 11 of 1,609,382 alleles (0.00068%); highest among the groups gnomAD compares: East Asian, 0.0067%; no homozygotes.

Submissions (2):

Ambry Genetics
Classification: Uncertain significance for Inborn genetic diseases. Last evaluated: 2023-12-15. Review status: criteria provided, single submitter. Criteria: Ambry Variant Classification Scheme 2023. Collection method: clinical testing. Allele origin: germline.

Labcorp Genetics (formerly Invitae), Labcorp
Classification: Uncertain significance. Last evaluated: 2022-05-28. Review status: criteria provided, single submitter. Criteria: Invitae Variant Classification Sherloc (09022015). Collection method: clinical testing. Allele origin: germline.
Comment: This sequence change replaces arginine, which is basic and polar, with glutamine, which is neutral and polar, at codon 37 of the RBPJ protein (p.Arg37Gln). In summary, the available evidence is currently insufficient to determine the role of this variant in disease. Therefore, it has been classified as a Variant of Uncertain Significance. Algorithms developed to predict the effect of missense changes on protein structure and function (SIFT, PolyPhen-2, Align-GVGD) all suggest that this variant is likely to be tolerated. This variant has not been reported in the literature in individuals affected with RBPJ-related conditions. This variant is present in population databases (rs141690523, gnomAD 0.003%).

NM_015874.6(RBPJ):c.71G>A (p.Arg24Gln)

Genes: RBPJ (recombination signal binding protein for immunoglobulin kappa J region; plus strand), LOC126807011 (MED14-independent group 3 enhancer GRCh37_chr4:26407341-26408540; plus strand). Cytogenetic location: 4p15.2.
Variant type: single nucleotide variant.
Coding change: c.71G>A on transcript NM_015874.6 (MANE Select); coding-DNA position 71, G replaced by A.
Protein change: p.Arg24Gln; replaces arginine 24 with glutamine.
Molecular consequence: missense variant.
Genome position (GRCh38, 1-based): chr4:26,406,186, G>A. VCF-style: chr4-26406186-G-A. GRCh37 (hg19) VCF-style: chr4-26407808-G-A.
Other names: c.110G>A (NM_005349.2); c.5G>A, p.Arg2Gln (NM_001363577.2, NM_203283.5); c.110G>A, p.Arg37Gln (NM_001374400.1, NM_001379408.1, NM_005349.4); c.68G>A, p.Arg23Gln (NM_001374401.1, NM_001374402.1, NM_001374403.1 and 3 more transcripts); c.65G>A, p.Arg22Gln (NM_001379409.1); short protein forms R24Q, R37Q, R22Q, R23Q, R2Q.
Identifiers: ClinVar variation 1930200 (VCV001930200.6), dbSNP rs141690523, ClinGen allele CA2881275.
Genomic context (GRCh38, chr4:26,406,186, plus strand): 5'-TCATCAAGAATTTCACCTCTGTAACAGTAATATTTGTATTTGTTTTTAGGGAAGCTATGC[G>A]AAATTATTTAAAAGAGCGAGGGGATCAAACAGTACTTATTCTTCATGCAAAAGTTGCACA-3'
Protein context (NP_056958.3, residues 14-34): PPKRLTREAM[Arg24Gln]NYLKERGDQT